The following is an entry in ClinVar:

ClinVar aggregate classification (germline): Uncertain significance. Review status: criteria provided, multiple submitters, no conflicts (2 of 4 stars). 2 submissions from 2 submitters: Uncertain significance (2). Last evaluated 2025-11-19.

Conditions:
Sessile serrated polyposis cancer syndrome (SSPCS). Identifiers: Orphanet 157798, MedGen C4310714, MONDO:0014919, OMIM 617108.

Allele frequency attached by ClinVar (database versions not stated): gnomAD exomes below 0.00001.
gnomAD v4.1: 2 of 1,613,864 alleles (0.00012%); highest among the groups gnomAD compares: South Asian, 0.0022%; no homozygotes.

Submissions (2):

Ambry Genetics
Classification: Uncertain significance. Last evaluated: 2025-11-19. Review status: criteria provided, single submitter. Criteria: Ambry Variant Classification Scheme 2023. Collection method: clinical testing. Allele origin: germline.
Comment: The p.G716S variant (also known as c.2146G>A), located in coding exon 8 of the RNF43 gene, results from a G to A substitution at nucleotide position 2146. The glycine at codon 716 is replaced by serine, an amino acid with similar properties. This amino acid position is conserved. In addition, this alteration is predicted to be tolerated by in silico analysis. Based on the available evidence, the clinical significance of this variant remains unclear.

Baylor Genetics
Classification: Uncertain significance for Sessile serrated polyposis cancer syndrome. Last evaluated: 2024-03-21. Review status: criteria provided, single submitter. Criteria: ACMG Guidelines, 2015. Collection method: clinical testing. Allele origin: unknown.

NM_017763.6(RNF43):c.2146G>A (p.Gly716Ser)

Gene: RNF43 (ring finger protein 43; minus strand). Cytogenetic location: 17q22.
Variant type: single nucleotide variant.
Coding change: c.2146G>A on transcript NM_017763.6 (MANE Select); coding-DNA position 2146, G replaced by A.
Protein change: p.Gly716Ser; replaces glycine 716 with serine.
Molecular consequence: missense variant.
Genome position (GRCh38, 1-based): chr17:58,357,630, C>T on the plus strand (G>A on the coding strand, the complement: RNF43 is on the minus strand). VCF-style: chr17-58357630-C-T. GRCh37 (hg19) VCF-style: chr17-56434991-C-T.
Other names: c.2146G>A, p.Gly716Ser (NM_001305544.3); c.1765G>A, p.Gly589Ser (NM_001305545.2); c.2146G>A (NM_017763.4); short protein forms G589S, G716S.
Identifiers: ClinVar variation 3240354 (VCV003240354.2), dbSNP rs2143388590.